The following is an entry in ClinVar:

ClinVar aggregate classification (germline): Uncertain significance (1 of 4 stars; one submission).

Submission:

GeneDx
Classification: Uncertain significance. Last evaluated: 2022-05-03. Review status: criteria provided, single submitter. Criteria: GeneDx Variant Classification Process June 2021. Collection method: clinical testing. Allele origin: germline. Affected: yes.
Comment: Not observed at significant frequency in large population cohorts (gnomAD); In silico analysis supports that this missense variant does not alter protein structure/function; Has not been previously published as pathogenic or benign to our knowledge

NM_001372044.2(SHANK3):c.511G>C (p.Val171Leu)

Gene: SHANK3 (SH3 and multiple ankyrin repeat domains 3; plus strand). Cytogenetic location: 22q13.33.
Variant type: single nucleotide variant.
Coding change: c.511G>C on transcript NM_001372044.2 (MANE Select); coding-DNA position 511, G replaced by C.
Protein change: p.Val171Leu; replaces valine 171 with leucine.
Molecular consequence: missense variant.
Genome position (GRCh38, 1-based): chr22:50,676,640, G>C. VCF-style: chr22-50676640-G-C. GRCh37 (hg19) VCF-style: chr22-51115068-G-C.
Other names: c.286G>C, p.Val96Leu (NM_033517.1); short protein forms V171L, V96L.
Identifiers: ClinVar variation 1723066 (VCV001723066.2), dbSNP rs777686693, ClinGen allele CA515251934.